The following is an entry in ClinVar:

ClinVar aggregate classification (germline): Pathogenic. Review status: criteria provided, single submitter (1 of 4 stars). 3 submissions from 3 submitters: Pathogenic (1). 2 of the submissions do not count toward it. Last evaluated 2015-06-22.

Conditions:
Short QT syndrome. Also called: Familial short QT syndrome. Identifiers: Orphanet 51083, MedGen C2348199, MONDO:0000453.
Andersen Tawil syndrome (LQT7). Also called: ANDERSEN CARDIODYSRHYTHMIC PERIODIC PARALYSIS; LONG QT SYNDROME 7; PERIODIC PARALYSIS, POTASSIUM-SENSITIVE CARDIODYSRHYTHMIC TYPE; Andersen Syndrome; Potassium-sensitive periodic paralysis, ventricular ectopy, and dysmorphic features. Identifiers: Orphanet 37553, MedGen C1563715, MONDO:0008222, OMIM 170390.
Short QT syndrome type 3. Identifiers: Orphanet 51083, MedGen C1865018, MONDO:0012314, OMIM 609622.

Submissions (3):

Labcorp Genetics (formerly Invitae), Labcorp
Classification: Pathogenic for Short QT syndrome type 3; Andersen Tawil syndrome. Last evaluated: 2015-06-22. Review status: criteria provided, single submitter. Criteria: Invitae Variant Classification Sherloc (09022015). Collection method: clinical testing. Allele origin: germline.
Comment: For these reasons, this variant has been classified as Pathogenic. This variant has been reported in one family affected with short QT with tall and asymmetric T-waves (PMID: 15761194) and is not currently found in any individuals from the population databases (rs104894584, no frequency). This variant was believed to occur de novo, as all unaffected family members were negative for this variant(PMID: 15761194). Using in silico models, this variant has been predicted to cause short QT with abnormal T-wave morphology, and to increase the arrhythmia risk (PMID: 15761194, 22308236). Experimental studies have shown that this missense change reduces the channel’s sensitivity to block by internal Mg2+ cations. This leads to an increased outward current that accelerates the final phase of the cell repolarization and shortens the action potential (PMID: 8078584, 15761194,17640933, 22371365). This sequence change replaces aspartic acid with asparagine at codon 172 of the KCNJ2 protein (p.Asp172Asn). The aspartic acid residue is highly conserved and there is a small physicochemical difference between aspartic acid and asparagine.

OMIM
Classification: Pathogenic for SHORT QT SYNDROME 3. Last evaluated: 2012-04-01. Review status: no assertion criteria provided. Collection method: literature only. Allele origin: germline. Not counted in ClinVar's aggregate classification.

Cardiovascular Biomedical Research Unit, Royal Brompton & Harefield NHS Foundation Trust
No classification provided. Condition: Short QT syndrome. Review status: no classification provided. Collection method: literature only. Allele origin: germline. Not counted in ClinVar's aggregate classification.
Comment: This variant has been reported as associated with Short QT syndrome in the following publications (PMID:15761194;PMID:22308236). This is a literature report, and does not necessarily reflect the clinical interpretation of the Imperial College / Royal Brompton Cardiovascular Genetics laboratory.

Literature cited by the submitters: PubMed 15761194 (cited by 3 submitters); PubMed 22308236 (cited by 3 submitters); PubMed 8078584 (cited by Labcorp Genetics (formerly Invitae), Labcorp); PubMed 17640933 (cited by Labcorp Genetics (formerly Invitae), Labcorp); PubMed 22371365 (cited by Labcorp Genetics (formerly Invitae), Labcorp); PubMed 22581653 (cited by Cardiovascular Biomedical Research Unit, Royal Brompton & Harefield NHS Foundation Trust).

NM_000891.3(KCNJ2):c.514G>A (p.Asp172Asn)

Gene: KCNJ2 (potassium inwardly rectifying channel subfamily J member 2; plus strand). Cytogenetic location: 17q24.3.
Variant type: single nucleotide variant.
Coding change: c.514G>A on transcript NM_000891.3 (MANE Select); coding-DNA position 514, G replaced by A.
Protein change: p.Asp172Asn; replaces aspartic acid 172 with asparagine.
Molecular consequence: missense variant.
Genome position (GRCh38, 1-based): chr17:70,175,553, G>A. VCF-style: chr17-70175553-G-A. GRCh37 (hg19) VCF-style: chr17-68171694-G-A.
Other names: c.514G>A (LRG_328t1); short protein forms D172N.
Identifiers: ClinVar variation 8927 (VCV000008927.11), dbSNP rs104894584, ClinGen allele CA120002.